The following is an entry in ClinVar:

NM_003737.4(DCHS1):c.4651C>A (p.Arg1551Ser)

Gene: DCHS1 (dachsous cadherin-related 1; minus strand). Cytogenetic location: 11p15.4.
Variant type: single nucleotide variant.
Coding change: c.4651C>A on transcript NM_003737.4 (MANE Select); coding-DNA position 4651, C replaced by A.
Protein change: p.Arg1551Ser; replaces arginine 1551 with serine.
Molecular consequence: missense variant.
Genome position (GRCh38, 1-based): chr11:6,630,143, G>T on the plus strand (C>A on the coding strand, the complement: DCHS1 is on the minus strand). VCF-style: chr11-6630143-G-T. GRCh37 (hg19) VCF-style: chr11-6651374-G-T.
Other names: short protein forms R1551S.
Identifiers: ClinVar variation 2987632 (VCV002987632.3), dbSNP rs1224607907, ClinGen allele CA379403265.

ClinVar aggregate classification (germline): Uncertain significance (1 of 4 stars; one submission).

Allele frequency attached by ClinVar (database versions not stated): gnomAD exomes 0.00001.
gnomAD v4.1: 16 of 1,604,516 alleles (0.001%); highest among the groups gnomAD compares: Non-Finnish European, 0.001%; no homozygotes.

Submission:

Labcorp Genetics (formerly Invitae), Labcorp
Classification: Uncertain significance. Last evaluated: 2023-04-09. Review status: criteria provided, single submitter. Criteria: Invitae Variant Classification Sherloc (09022015). Collection method: clinical testing. Allele origin: germline.
Comment: In summary, the available evidence is currently insufficient to determine the role of this variant in disease. Therefore, it has been classified as a Variant of Uncertain Significance. Advanced modeling of protein sequence and biophysical properties (such as structural, functional, and spatial information, amino acid conservation, physicochemical variation, residue mobility, and thermodynamic stability) performed at Invitae indicates that this missense variant is not expected to disrupt DCHS1 protein function. This variant has not been reported in the literature in individuals affected with DCHS1-related conditions. This variant is not present in population databases (gnomAD no frequency). This sequence change replaces arginine, which is basic and polar, with serine, which is neutral and polar, at codon 1551 of the DCHS1 protein (p.Arg1551Ser).